The following is an entry in ClinVar:

NM_000901.5(NR3C2):c.2657T>A (p.Leu886His)

Gene: NR3C2 (nuclear receptor subfamily 3 group C member 2; minus strand). Cytogenetic location: 4q31.23.
Variant type: single nucleotide variant.
Coding change: c.2657T>A on transcript NM_000901.5 (MANE Select); coding-DNA position 2657, T replaced by A.
Protein change: p.Leu886His; replaces leucine 886 with histidine.
Molecular consequence: missense variant. On other transcripts: non-coding transcript variant (1).
Genome position (GRCh38, 1-based): chr4:148,114,246, A>T on the plus strand (T>A on the coding strand, the complement: NR3C2 is on the minus strand). VCF-style: chr4-148114246-A-T. GRCh37 (hg19) VCF-style: chr4-149035397-A-T.
Other names: c.2306T>A, p.Leu769His (NM_001166104.2, NM_001354819.1); short protein forms L769H, L886H.
Identifiers: ClinVar variation 1709131 (VCV001709131.2), dbSNP rs1560928649, ClinGen allele CA358427632.

ClinVar aggregate classification (germline): Likely pathogenic (1 of 4 stars; one submission).

Conditions:
Autosomal dominant pseudohypoaldosteronism type 1. Also called: Pseudohypoaldosteronism, Type I, Dominant; PHA I, AUTOSOMAL DOMINANT; Pseudohypoaldosteronism, Type I, Autosomal Dominant. Identifiers: Orphanet 171871, Orphanet 756, MedGen C1449842, MONDO:0008329, OMIM 177735.

Submission:

MGZ Medical Genetics Center
Classification: Likely pathogenic for Autosomal dominant pseudohypoaldosteronism type 1. Last evaluated: 2022-01-17. Review status: criteria provided, single submitter. Criteria: ACMG Guidelines, 2015. Collection method: clinical testing. Allele origin: germline. Affected: yes. Observed: 1 variant allele.
Comment: ACMG criteria applied: PS2, PM5, PM2_SUP, PP3